The following is an entry in ClinVar:

NM_001281747.2(MLIP):c.40A>T (p.Asn14Tyr)

Gene: MLIP (muscular LMNA interacting protein; plus strand). Cytogenetic location: 6p12.1.
Variant type: single nucleotide variant.
Coding change: c.40A>T on transcript NM_001281747.2 (MANE Select); coding-DNA position 40, A replaced by T.
Protein change: p.Asn14Tyr; replaces asparagine 14 with tyrosine.
Molecular consequence: missense variant. On other transcripts: intron variant (2).
Genome position (GRCh38, 1-based): chr6:54,111,519, A>T. VCF-style: chr6-54111519-A-T. GRCh37 (hg19) VCF-style: chr6-53976317-A-T.
Other names: c.64-9928A>T (NM_138569.3, NM_001281746.2); short protein forms N14Y.
Identifiers: ClinVar variation 4072701 (VCV004072701.3).

ClinVar aggregate classification (germline): Uncertain significance. Review status: criteria provided, multiple submitters, no conflicts (2 of 4 stars). 2 submissions from 2 submitters: Uncertain significance (2). Last evaluated 2026-04-01.

gnomAD v4.1: 329 of 1,535,916 alleles (0.021%); highest among the groups gnomAD compares: Non-Finnish European, 0.027%; no homozygotes.

Submissions (2):

CeGaT Center for Human Genetics Tuebingen
Classification: Uncertain significance. Last evaluated: 2026-04-01. Review status: criteria provided, single submitter. Criteria: CeGaT Center For Human Genetics Tuebingen Variant Classification Criteria Version 2. Collection method: clinical testing. Allele origin: germline. Affected: yes. Observed: 1 variant allele.
Comment: MLIP: PM2, BP4

GeneDx
Classification: Uncertain significance. Last evaluated: 2025-02-01. Review status: criteria provided, single submitter. Criteria: GeneDx Variant Classification Process June 2021. Collection method: clinical testing. Allele origin: germline. Affected: yes.
Comment: In silico analysis indicates that this missense variant does not alter protein structure/function; Has not been previously published as pathogenic or benign to our knowledge